The following is an entry in ClinVar:

NM_001082538.3(TCTN1):c.1149C>T (p.Val383=)

Gene: TCTN1 (tectonic family member 1; plus strand). Cytogenetic location: 12q24.11.
Variant type: single nucleotide variant.
Coding change: c.1149C>T on transcript NM_001082538.3 (MANE Select); coding-DNA position 1149, C replaced by T.
Protein change: p.Val383=; no amino-acid change (valine 383 retained).
Molecular consequence: synonymous variant.
Genome position (GRCh38, 1-based): chr12:110,641,586, C>T. VCF-style: chr12-110641586-C-T. GRCh37 (hg19) VCF-style: chr12-111079391-C-T.
Other names: c.1149C>T, p.Val383= (NM_001082537.3, NM_001319680.2); c.981C>T, p.Val327= (NM_001173975.3); c.969C>T, p.Val323= (NM_001173976.2); c.615C>T, p.Val205= (NM_001319681.2); c.1107C>T, p.Val369= (NM_024549.6).
Identifiers: ClinVar variation 704886 (VCV000704886.10), dbSNP rs759588884, ClinGen allele CA6786824.

ClinVar aggregate classification (germline): Likely benign. Review status: criteria provided, single submitter (1 of 4 stars). 2 submissions from 2 submitters: Likely benign (1). 1 of the submissions does not count toward it. Last evaluated 2024-12-16.

Conditions:
Joubert syndrome. Also called: CEREBELLOPARENCHYMAL DISORDER IV; JOUBERT-BOLTSHAUSER SYNDROME; Familial aplasia of the vermis. Identifiers: Orphanet 475, MedGen C5979921, MONDO:0018772.
Meckel-Gruber syndrome. Also called: Dysencephalia splachnocystica; DYSENCEPHALIA SPLANCHNOCYSTICA; GRUBER SYNDROME. Identifiers: Orphanet 564, MedGen C0265215, MONDO:0018921.
TCTN1-related disorder. Also called: TCTN1-related condition.

Allele frequency attached by ClinVar (database versions not stated): ExAC 0.00001; gnomAD 0.00001; gnomAD exomes 0.00001 and 0.00002; TOPMed 0.00001.
gnomAD v4.1: 18 of 1,614,098 alleles (0.0011%); highest among the groups gnomAD compares: Admixed American, 0.01%; no homozygotes.

Submissions (2):

Labcorp Genetics (formerly Invitae), Labcorp
Classification: Likely benign for Joubert syndrome; Meckel-Gruber syndrome. Last evaluated: 2024-12-16. Review status: criteria provided, single submitter. Criteria: Invitae Variant Classification Sherloc (09022015). Collection method: clinical testing. Allele origin: germline.

PreventionGenetics, part of Exact Sciences
Classification: Likely benign for TCTN1-related condition. Last evaluated: 2022-06-06. Review status: no assertion criteria provided. Collection method: clinical testing. Allele origin: germline. Not counted in ClinVar's aggregate classification.
Comment: This variant is classified as likely benign based on ACMG/AMP sequence variant interpretation guidelines (Richards et al. 2015 PMID: 25741868, with internal and published modifications).